The following is an entry in ClinVar:

NM_001122955.4(BSCL2):c.974dup (p.Ile326fs)

Genes: BSCL2 (BSCL2 lipid droplet biogenesis associated, seipin; minus strand), HNRNPUL2-BSCL2 (HNRNPUL2-BSCL2 readthrough (NMD candidate); minus strand). Cytogenetic location: 11q12.3.
Variant type: Duplication.
Coding change: c.974dup on transcript NM_001122955.4 (MANE Select); coding-DNA position 974, one base duplicated (G; older notation c.974dupG).
Protein change: p.Ile326fs; shifts the reading frame from isoleucine 326.
Molecular consequence: frameshift variant. On other transcripts: non-coding transcript variant (1), intron variant (1).
Genome position (GRCh38, 1-based): chr11:62,691,311, C duplicated on the plus strand (G on the coding strand, the reverse complement: BSCL2 is on the minus strand); the first of 7 consecutive C bases (chr11:62,691,311-62,691,317); duplicating any one gives the same sequence. VCF-style (leftmost placement, unchanged base first): chr11-62691310-G-GC. GRCh37 (hg19) VCF-style: chr11-62458782-G-GC.
Other names: c.974dup (NM_001122955.3); c.782dupG (NM_032667.6); c.974dup, p.Ile326fs (NM_001386027.1, NM_001386028.1); c.782dup, p.Ile262fs (NM_032667.6); c.672-170dup (NM_001130702.2); short protein forms I326fs, I262fs.
Identifiers: ClinVar variation 372120 (VCV000372120.24), dbSNP rs749890533, ClinGen allele CA6053394.

ClinVar aggregate classification (germline): Pathogenic. Review status: criteria provided, multiple submitters, no conflicts (2 of 4 stars). 9 submissions from 9 submitters: Pathogenic (7). 2 of the submissions do not count toward it. Last evaluated 2024-07-30.

Conditions:
Severe neurodegenerative syndrome with lipodystrophy. Also called: Encephalopathy, progressive, with or without lipodystrophy; ENCEPHALOPATHY, PROGRESSIVE, WITH LIPODYSTROPHY. Identifiers: Orphanet 363400, MedGen C4014700, MONDO:0014402, OMIM 615924.
Charcot-Marie-Tooth disease type 2. Also called: Charcot-Marie-Tooth type 2. Identifiers: Orphanet 64746, MedGen C0270914, MONDO:0018993.
Neuronopathy, distal hereditary motor, type 5C. Also called: DHMN VC; NEURONOPATHY, DISTAL HEREDITARY MOTOR, HARDING TYPE VC; NEUROPATHY, DISTAL HEREDITARY MOTOR, HARDING TYPE VC; SPINAL MUSCULAR ATROPHY, DISTAL, HARDING TYPE VC; NEURONOPATHY, DISTAL HEREDITARY MOTOR, AUTOSOMAL DOMINANT 13. Identifiers: MedGen C5436838, MONDO:0030860, OMIM 619112.
Hereditary spastic paraplegia 17. Also called: Silver spastic paraplegia syndrome; Spastic Paraplegia 17; Autosomal dominant spastic paraplegia type 17; Silver Syndrome; SPASTIC PARAPLEGIA WITH AMYOTROPHY OF HANDS AND FEET. Identifiers: Orphanet 100998, MedGen C2931276, MONDO:0010043, OMIM 270685.
Congenital generalized lipodystrophy type 2 (CGL2). Also called: Berardinelli-Seip Congenital Lipodystrophy Type 2; SEIP SYNDROME; BERARDINELLI SYNDROME; BRUNZELL SYNDROME, BSCL2-RELATED. Identifiers: Orphanet 528, Orphanet 696289, MedGen C1720863, MONDO:0010020, OMIM 269700.
BSCL2-related disorder. Also called: BSCL2-Related Disorders; BSCL2-related condition.
Berardinelli-Seip congenital lipodystrophy. Identifiers: Orphanet 528, MedGen CN262437, MONDO:0018883.

Submissions (9):

Labcorp Genetics (formerly Invitae), Labcorp
Classification: Pathogenic for Charcot-Marie-Tooth disease type 2. Last evaluated: 2024-07-30. Review status: criteria provided, single submitter. Criteria: Invitae Variant Classification Sherloc (09022015). Collection method: clinical testing. Allele origin: germline.
Comment: This sequence change creates a premature translational stop signal (p.Ile262Hisfs*12) in the BSCL2 gene. It is expected to result in an absent or disrupted protein product. Loss-of-function variants in BSCL2 are known to be pathogenic (PMID: 11479539, 23564749). This variant is present in population databases (rs749890533, gnomAD 0.08%). This premature translational stop signal has been observed in individuals with autosomal recessive BSCL2-related conditions (PMID: 27612026, 30903322, 31770241). This variant is also known as c.974dupG, c.975insG, and c.1126insG. ClinVar contains an entry for this variant (Variation ID: 372120). For these reasons, this variant has been classified as Pathogenic.

Women's Health and Genetics/Laboratory Corporation of America, LabCorp
Classification: Pathogenic for BSCL2-Related Disorders. Last evaluated: 2024-07-29. Review status: criteria provided, single submitter. Criteria: LabCorp Variant Classification Summary - May 2015. Collection method: clinical testing. Allele origin: germline.
Comment: Variant summary: BSCL2 c.782dupG (p.Ile262HisfsX12) results in a premature termination codon, predicted to cause absence of the protein due to nonsense mediated decay, which is a commonly known mechanism for disease. The frequency data for this variant in gnomAD is considered unreliable, as metrics indicate poor data quality at this position. c.782dupG has been reported in the literature in individuals affected with BSCL2-Related Disorders (examples, Agarwal_2003, Opri_2016). These data indicate that the variant is likely to be associated with disease. To our knowledge, no experimental evidence demonstrating an impact on protein function has been reported. The following publications have been ascertained in the context of this evaluation (PMID: 14557463, 27632409). ClinVar contains an entry for this variant (Variation ID: 372120). Based on the evidence outlined above, the variant was classified as pathogenic.

Fulgent Genetics
Classification: Pathogenic for Congenital generalized lipodystrophy type 2; Hereditary spastic paraplegia 17; Severe neurodegenerative syndrome with lipodystrophy; Neuronopathy, distal hereditary motor, type 5C. Last evaluated: 2024-04-29. Review status: criteria provided, single submitter. Criteria: ACMG Guidelines, 2015. Collection method: clinical testing. Allele origin: germline.

3billion
Classification: Pathogenic for Severe neurodegenerative syndrome with lipodystrophy. Last evaluated: 2023-11-14. Review status: criteria provided, single submitter. Criteria: ACMG Guidelines, 2015. Collection method: clinical testing. Allele origin: germline. Affected: yes.
Comment: The variant is observed at an extremely low frequency in the gnomAD v2.1.1 dataset (total allele frequency: 0.006%). Predicted Consequence/Location: Frameshift: predicted to result in a loss or disruption of normal protein function through nonsense-mediated decay (NMD) or protein truncation. Multiple pathogenic variants are reported downstream of the variant. The variant has been reported at least twice as pathogenic without evidence for the classification (ClinVar ID: VCV000372120 /PMID: 14557463). Therefore, this variant is classified as Pathogenic according to the recommendation of ACMG/AMP guideline.

Athena Diagnostics
Classification: Pathogenic. Last evaluated: 2021-09-13. Review status: criteria provided, single submitter. Criteria: Athena Diagnostics Criteria. Collection method: clinical testing. Allele origin: unknown.
Comment: This variant is expected to result in the loss of a functional protein. The frequency of this variant in the general population is consistent with pathogenicity. This variant segregates with disease in multiple families. In multiple individuals, this variant has been seen with a single recessive pathogenic variant in the same gene, suggesting this variant may also be pathogenic.

Genetic Services Laboratory, University of Chicago
Classification: Pathogenic for Lipodystrophy, congenital generalized, type 2. Last evaluated: 2017-04-04. Review status: criteria provided, single submitter. Criteria: ACMG Guidelines, 2015. Collection method: clinical testing. Allele origin: germline. Affected: yes.

Juno Genomics, Hangzhou Juno Genomics, Inc
Classification: Pathogenic for Neuronopathy, distal hereditary motor, type 5C; Severe neurodegenerative syndrome with lipodystrophy; Congenital generalized lipodystrophy type 2; Hereditary spastic paraplegia 17. Review status: criteria provided, single submitter. Criteria: ACMG Guidelines, 2015. Collection method: clinical testing. Allele origin: germline.
Comment: Absent from controls (or at extremely low frequency if recessive) in Genome Aggregation Database.;Null variant in a gene where loss of function (LOF) is a known mechanism of disease.;For recessive disorders, detected in trans with a pathogenic variant.;Patient's phenotype or family history is highly specific for a disease with a single genetic etiology.

Inherited Neuropathy Consortium Ii, University Of Miami
Classification: Uncertain significance for Berardinelli-Seip congenital lipodystrophy. Last evaluated: 2016-01-06. Review status: no assertion criteria provided. Collection method: literature only. Allele origin: germline. Affected: yes. Not counted in ClinVar's aggregate classification.

GeneReviews
No classification provided. Condition: Congenital generalized lipodystrophy type 2. Review status: no classification provided. Collection method: literature only. Allele origin: germline. Affected: yes. Not counted in ClinVar's aggregate classification.

Literature cited by the submitters: PubMed 11479539 (cited by Labcorp Genetics (formerly Invitae), Labcorp); PubMed 23564749 (cited by Labcorp Genetics (formerly Invitae), Labcorp); PubMed 27612026 (cited by Labcorp Genetics (formerly Invitae), Labcorp and Athena Diagnostics); PubMed 30903322 (cited by Labcorp Genetics (formerly Invitae), Labcorp and Athena Diagnostics); PubMed 31770241 (cited by Labcorp Genetics (formerly Invitae), Labcorp and Athena Diagnostics); PubMed 14557463 (cited by 3 submitters); PubMed 27632409 (cited by Women's Health and Genetics/Laboratory Corporation of America, LabCorp and Athena Diagnostics); PubMed 21126715 (cited by Athena Diagnostics); PubMed 19762912 (cited by Athena Diagnostics); PubMed 28916377 (cited by Athena Diagnostics); PubMed 29478747 (cited by Athena Diagnostics); PubMed 32792356 (cited by Athena Diagnostics); PubMed 19226263 (cited by Inherited Neuropathy Consortium Ii, University Of Miami); NCBI Bookshelf NBK1212 (cited by GeneReviews).